The following is an entry in ClinVar:

NM_014918.5(CHSY1):c.793G>A (p.Val265Met)

Gene: CHSY1 (chondroitin sulfate synthase 1; minus strand). Cytogenetic location: 15q26.3.
Variant type: single nucleotide variant.
Coding change: c.793G>A on transcript NM_014918.5 (MANE Select); coding-DNA position 793, G replaced by A.
Protein change: p.Val265Met; replaces valine 265 with methionine.
Molecular consequence: missense variant.
Genome position (GRCh38, 1-based): chr15:101,235,105, C>T on the plus strand (G>A on the coding strand, the complement: CHSY1 is on the minus strand). VCF-style: chr15-101235105-C-T. GRCh37 (hg19) VCF-style: chr15-101775310-C-T.
Other names: short protein forms V265M.
Identifiers: ClinVar variation 1056351 (VCV001056351.9), dbSNP rs372381623, ClinGen allele CA7762661.

ClinVar aggregate classification (germline): Uncertain significance (1 of 4 stars; one submission).

Conditions:
Temtamy preaxial brachydactyly syndrome (TPBS). Identifiers: Orphanet 363417, MedGen C1854466, MONDO:0011533, OMIM 605282.

Allele frequency attached by ClinVar (database versions not stated): gnomAD exomes 0.00001; TOPMed 0.00001; ExAC 0.00002; gnomAD 0.00001; ESP Exome Variant Server 0.00008.

Submission:

Labcorp Genetics (formerly Invitae), Labcorp
Classification: Uncertain significance for Temtamy preaxial brachydactyly syndrome. Last evaluated: 2020-08-02. Review status: criteria provided, single submitter. Criteria: Invitae Variant Classification Sherloc (09022015). Collection method: clinical testing. Allele origin: germline.
Comment: This sequence change replaces valine with methionine at codon 265 of the CHSY1 protein (p.Val265Met). The valine residue is highly conserved and there is a small physicochemical difference between valine and methionine. This variant is present in population databases (rs372381623, ExAC 0.02%). This variant has not been reported in the literature in individuals with CHSY1-related conditions. Algorithms developed to predict the effect of missense changes on protein structure and function are either unavailable or do not agree on the potential impact of this missense change (SIFT: "Deleterious"; PolyPhen-2: "Probably Damaging"; Align-GVGD: "Class C0"). In summary, the available evidence is currently insufficient to determine the role of this variant in disease. Therefore, it has been classified as a Variant of Uncertain Significance.